The following is an entry in ClinVar:

NM_001080517.3(SETD5):c.1225C>G (p.Arg409Gly)

Gene: SETD5 (SET domain containing 5; plus strand). Cytogenetic location: 3p25.3.
Variant type: single nucleotide variant.
Coding change: c.1225C>G on transcript NM_001080517.3 (MANE Select); coding-DNA position 1225, C replaced by G.
Protein change: p.Arg409Gly; replaces arginine 409 with glycine.
Molecular consequence: missense variant.
Genome position (GRCh38, 1-based): chr3:9,445,085, C>G. VCF-style: chr3-9445085-C-G. GRCh37 (hg19) VCF-style: chr3-9486769-C-G.
Other names: c.931C>G, p.Arg311Gly (NM_001292043.2, NM_001349451.2); short protein forms R409G, R311G.
Identifiers: ClinVar variation 1032601 (VCV001032601.4), dbSNP rs780768822, ClinGen allele CA351691975.

ClinVar aggregate classification (germline): Uncertain significance. Review status: criteria provided, multiple submitters, no conflicts (2 of 4 stars). 2 submissions from 2 submitters: Uncertain significance (2). Last evaluated 2024-01-22.

Conditions:
Intellectual disability-facial dysmorphism syndrome due to SETD5 haploinsufficiency (MRD23). Also called: Intellectual developmental disorder, autosomal dominant 23. Identifiers: Orphanet 404440, MedGen C3810406, MONDO:0014336, OMIM 615761.

Allele frequency attached by ClinVar (database versions not stated): TOPMed below 0.00001.

Submissions (2):

Labcorp Genetics (formerly Invitae), Labcorp
Classification: Uncertain significance. Last evaluated: 2024-01-22. Review status: criteria provided, single submitter. Criteria: Invitae Variant Classification Sherloc (09022015). Collection method: clinical testing. Allele origin: germline.
Comment: This sequence change replaces arginine, which is basic and polar, with glycine, which is neutral and non-polar, at codon 409 of the SETD5 protein (p.Arg409Gly). This variant is not present in population databases (gnomAD no frequency). This variant has not been reported in the literature in individuals affected with SETD5-related conditions. ClinVar contains an entry for this variant (Variation ID: 1032601). Advanced modeling of protein sequence and biophysical properties (such as structural, functional, and spatial information, amino acid conservation, physicochemical variation, residue mobility, and thermodynamic stability) performed at Invitae indicates that this missense variant is not expected to disrupt SETD5 protein function with a negative predictive value of 80%. In summary, the available evidence is currently insufficient to determine the role of this variant in disease. Therefore, it has been classified as a Variant of Uncertain Significance.

Baylor Genetics
Classification: Uncertain significance for Intellectual disability-facial dysmorphism syndrome due to SETD5 haploinsufficiency. Last evaluated: 2018-12-12. Review status: criteria provided, single submitter. Criteria: ACMG Guidelines, 2015. Collection method: clinical testing. Allele origin: paternal. Affected: yes.
Comment: This variant was determined to be of uncertain significance according to ACMG Guidelines, 2015 [PMID:25741868].